The following is an entry in ClinVar:

NM_001011547.3(SLC5A9):c.2037T>C (p.Tyr679=)

Gene: SLC5A9 (solute carrier family 5 member 9; plus strand). Cytogenetic location: 1p33.
Variant type: single nucleotide variant.
Coding change: c.2037T>C on transcript NM_001011547.3 (MANE Select); coding-DNA position 2037, T replaced by C.
Protein change: p.Tyr679=; no amino-acid change (tyrosine 679 retained).
Molecular consequence: synonymous variant.
Genome position (GRCh38, 1-based): chr1:48,247,534, T>C. VCF-style: chr1-48247534-T-C. GRCh37 (hg19) VCF-style: chr1-48713206-T-C.
Other names: c.2112T>C, p.Tyr704= (NM_001135181.2).
Identifiers: ClinVar variation 3056161 (VCV003056161.2), dbSNP rs7535096, ClinGen allele CA844090.

ClinVar aggregate classification (germline): Benign (0 of 4 stars; one submission).

Conditions:
SLC5A9-related disorder. Also called: SLC5A9-related condition.

Allele frequency attached by ClinVar (database versions not stated): 1000 Genomes Project 30x 0.02826; 1000 Genomes Project 0.02835; TOPMed 0.04963; gnomAD 0.05316; ESP Exome Variant Server 0.05674; ExAC 0.05925; gnomAD exomes 0.06894.
gnomAD v4.1: 108,481 of 1,614,046 alleles (6.7%); highest among the groups gnomAD compares: Non-Finnish European, 7.6%; 4,020 homozygotes.

Submission:

PreventionGenetics, part of Exact Sciences
Classification: Benign for SLC5A9-related condition. Last evaluated: 2019-06-07. Review status: no assertion criteria provided. Collection method: clinical testing. Allele origin: germline.
Comment: This variant is classified as benign based on ACMG/AMP sequence variant interpretation guidelines (Richards et al. 2015 PMID: 25741868, with internal and published modifications).